The following is an entry in ClinVar:

ClinVar aggregate classification (germline): Uncertain significance. Review status: criteria provided, single submitter (1 of 4 stars). 2 submissions from 2 submitters: Uncertain significance (1). 1 of the submissions does not count toward it. Last evaluated 2025-02-10.

Conditions:
LAMB1-related disorder. Also called: LAMB1-related condition.

Allele frequency attached by ClinVar (database versions not stated): gnomAD exomes 0.00002; gnomAD 0.00005; TOPMed 0.00006; ExAC 0.00008.
gnomAD v4.1: 30 of 1,562,140 alleles (0.0019%); highest among the groups gnomAD compares: African/African-American, 0.022%; no homozygotes.

Submissions (2):

Labcorp Genetics (formerly Invitae), Labcorp
Classification: Uncertain significance. Last evaluated: 2025-02-10. Review status: criteria provided, single submitter. Criteria: Invitae Variant Classification Sherloc (09022015). Collection method: clinical testing. Allele origin: germline.
Comment: This sequence change falls in intron 5 of the LAMB1 gene. It does not directly change the encoded amino acid sequence of the LAMB1 protein. It affects a nucleotide within the consensus splice site. This variant is present in population databases (rs746552622, gnomAD 0.02%). This variant has not been reported in the literature in individuals affected with LAMB1-related conditions. ClinVar contains an entry for this variant (Variation ID: 2177216). Variants that disrupt the consensus splice site are a relatively common cause of aberrant splicing (PMID: 17576681, 9536098). Algorithms developed to predict the effect of sequence changes on RNA splicing suggest that this variant is not likely to affect RNA splicing. In summary, the available evidence is currently insufficient to determine the role of this variant in disease. Therefore, it has been classified as a Variant of Uncertain Significance.

PreventionGenetics, part of Exact Sciences
Classification: Likely benign for LAMB1-related condition. Last evaluated: 2021-02-22. Review status: no assertion criteria provided. Collection method: clinical testing. Allele origin: germline. Not counted in ClinVar's aggregate classification.
Comment: This variant is classified as likely benign based on ACMG/AMP sequence variant interpretation guidelines (Richards et al. 2015 PMID: 25741868, with internal and published modifications).

Literature cited by the submitters: PubMed 17576681 (cited by Labcorp Genetics (formerly Invitae), Labcorp); PubMed 9536098 (cited by Labcorp Genetics (formerly Invitae), Labcorp).

NM_002291.3(LAMB1):c.423+3A>G

Gene: LAMB1 (laminin subunit beta 1; minus strand). Cytogenetic location: 7q31.1.
Variant type: single nucleotide variant.
Coding change: c.423+3A>G on transcript NM_002291.3 (MANE Select); 3 bases into the intron after coding-DNA position 423, A replaced by G.
Molecular consequence: intron variant.
Genome position (GRCh38, 1-based): chr7:107,994,884, T>C on the plus strand (A>G on the coding strand, the complement: LAMB1 is on the minus strand). VCF-style: chr7-107994884-T-C. GRCh37 (hg19) VCF-style: chr7-107635329-T-C.
Other names: c.423+3A>G (NM_002291.2).
Identifiers: ClinVar variation 2177216 (VCV002177216.6), dbSNP rs746552622, ClinGen allele CA4436305.